The following is an entry in ClinVar:

NM_014305.4(TGDS):c.456+9A>C

Gene: TGDS (TDP-glucose 4,6-dehydratase; minus strand). Cytogenetic location: 13q32.1.
Variant type: single nucleotide variant.
Coding change: c.456+9A>C on transcript NM_014305.4 (MANE Select); 9 bases into the intron after coding-DNA position 456, A replaced by C.
Molecular consequence: intron variant.
Genome position (GRCh38, 1-based): chr13:94,583,085, T>G on the plus strand (A>C on the coding strand, the complement: TGDS is on the minus strand). VCF-style: chr13-94583085-T-G. GRCh37 (hg19) VCF-style: chr13-95235339-T-G.
Other names: c.360+9A>C (NM_001304430.2).
Identifiers: ClinVar variation 792360 (VCV000792360.7), dbSNP rs771856791, ClinGen allele CA7018039.

ClinVar aggregate classification (germline): Likely benign. Review status: criteria provided, multiple submitters, no conflicts (2 of 4 stars). 3 submissions from 3 submitters: Likely benign (3). Last evaluated 2026-04-10.

Conditions:
TGDS-related disorder. Also called: TGDS-related condition.

Allele frequency attached by ClinVar (database versions not stated): ExAC 0.00002; gnomAD 0.00003; gnomAD exomes 0.00003 and 0.00006; TOPMed 0.00003.
gnomAD v4.1: 84 of 1,611,002 alleles (0.0052%); highest among the groups gnomAD compares: Middle Eastern, 0.016%; no homozygotes.

Submissions (3):

PreventionGenetics, part of Exact Sciences
Classification: Likely benign for TGDS-related condition. Last evaluated: 2026-04-10. Review status: criteria provided, single submitter. Criteria: ACMG Guidelines, 2015. Collection method: clinical testing. Allele origin: germline.
Comment: This variant is classified as likely benign based on ACMG/AMP sequence variant interpretation guidelines (Richards et al. 2015 PMID: 25741868, with internal and published modifications).

Labcorp Genetics (formerly Invitae), Labcorp
Classification: Likely benign. Last evaluated: 2024-09-04. Review status: criteria provided, single submitter. Criteria: Invitae Variant Classification Sherloc (09022015). Collection method: clinical testing. Allele origin: germline.

Blueprint Genetics
Classification: Likely benign. Last evaluated: 2024-07-08. Review status: criteria provided, single submitter. Criteria: ACMG Guidelines, 2015. Collection method: clinical testing. Allele origin: germline.